The following is an entry in ClinVar:

NM_004560.4(ROR2):c.2789A>T (p.Asp930Val)

Gene: ROR2 (receptor tyrosine kinase like orphan receptor 2; minus strand). Cytogenetic location: 9q22.31.
Variant type: single nucleotide variant.
Coding change: c.2789A>T on transcript NM_004560.4 (MANE Select); coding-DNA position 2789, A replaced by T.
Protein change: p.Asp930Val; replaces aspartic acid 930 with valine.
Molecular consequence: missense variant.
Genome position (GRCh38, 1-based): chr9:91,723,705, T>A on the plus strand (A>T on the coding strand, the complement: ROR2 is on the minus strand). VCF-style: chr9-91723705-T-A. GRCh37 (hg19) VCF-style: chr9-94485987-T-A.
Other names: short protein forms D930V.
Identifiers: ClinVar variation 2787939 (VCV002787939.4), dbSNP rs1180786358, ClinGen allele CA373793074.
Genomic context (GRCh38, chr9:91,723,705, plus strand): 5'-CCGGGCCCTGGTGCCACTCAAGCTTCCAGCTGGACTTGGGCCTCGTCCACCTGCAGAGTG[T>A]CACAGTCCCCCAGCAGCTCAGTCTCTGGGACAGAGCCTTCCTCCTCCTCCTCTGCTTCCT-3'
Protein context (NP_004551.2, residues 920-940): VPETELLGDC[Asp930Val]TLQVDEAQVQ

ClinVar aggregate classification (germline): Uncertain significance. Review status: criteria provided, multiple submitters, no conflicts (2 of 4 stars). 2 submissions from 2 submitters: Uncertain significance (2). Last evaluated 2024-05-13.

Conditions:
Autosomal recessive Robinow syndrome (RRS1). Also called: COSTOVERTEBRAL SEGMENTATION DEFECT WITH MESOMELIA; COVESDEM SYNDROME; ROBINOW SYNDROME, AUTOSOMAL RECESSIVE 1; ROR2-Related Robinow Syndrome. Identifiers: Orphanet 1507, Orphanet 97360, MedGen C5399974, MONDO:0009999, OMIM 268310.
Brachydactyly type B1 (BDB1). Identifiers: Orphanet 572385, Orphanet 93383, MedGen C1862112, MONDO:0007220, OMIM 113000.

Allele frequency attached by ClinVar (database versions not stated): gnomAD exomes below 0.00001; TOPMed 0.00001.
gnomAD v4.1: 1 of 1,613,932 alleles (0.000062%); highest among the groups gnomAD compares: Non-Finnish European, 0.000085%; no homozygotes.

Submissions (2):

Fulgent Genetics
Classification: Uncertain significance for Brachydactyly type B1; Autosomal recessive Robinow syndrome. Last evaluated: 2024-05-13. Review status: criteria provided, single submitter. Criteria: ACMG Guidelines, 2015. Collection method: clinical testing. Allele origin: germline.

Labcorp Genetics (formerly Invitae), Labcorp
Classification: Uncertain significance. Last evaluated: 2024-02-23. Review status: criteria provided, single submitter. Criteria: Invitae Variant Classification Sherloc (09022015). Collection method: clinical testing. Allele origin: germline.
Comment: This sequence change replaces aspartic acid, which is acidic and polar, with valine, which is neutral and non-polar, at codon 930 of the ROR2 protein (p.Asp930Val). This variant is present in population databases (no rsID available, gnomAD 0.0009%). This variant has not been reported in the literature in individuals affected with ROR2-related conditions. Advanced modeling of protein sequence and biophysical properties (such as structural, functional, and spatial information, amino acid conservation, physicochemical variation, residue mobility, and thermodynamic stability) performed at Invitae indicates that this missense variant is not expected to disrupt ROR2 protein function with a negative predictive value of 95%. In summary, the available evidence is currently insufficient to determine the role of this variant in disease. Therefore, it has been classified as a Variant of Uncertain Significance.